The following is an entry in ClinVar:

ClinVar aggregate classification (germline): Uncertain significance (1 of 4 stars; one submission).

gnomAD v4.1: 1 of 1,614,022 alleles (0.000062%); highest among the groups gnomAD compares: East Asian, 0.0022%; no homozygotes.

Submission:

Labcorp Genetics (formerly Invitae), Labcorp
Classification: Uncertain significance. Last evaluated: 2024-07-23. Review status: criteria provided, single submitter. Criteria: Invitae Variant Classification Sherloc (09022015). Collection method: clinical testing. Allele origin: germline.
Comment: This sequence change falls in intron 7 of the TNFRSF9 gene. It does not directly change the encoded amino acid sequence of the TNFRSF9 protein. It affects a nucleotide within the consensus splice site. This variant is not present in population databases (gnomAD no frequency). This variant has not been reported in the literature in individuals affected with TNFRSF9-related conditions. Variants that disrupt the consensus splice site are a relatively common cause of aberrant splicing (PMID: 17576681, 9536098). Algorithms developed to predict the effect of sequence changes on RNA splicing suggest that this variant may disrupt the consensus splice site. In summary, the available evidence is currently insufficient to determine the role of this variant in disease. Therefore, it has been classified as a Variant of Uncertain Significance.

Literature cited by the submitters: PubMed 17576681; PubMed 9536098.

NM_001561.6(TNFRSF9):c.544+3A>G

Gene: TNFRSF9 (TNF receptor superfamily member 9; minus strand). Cytogenetic location: 1p36.23.
Variant type: single nucleotide variant.
Coding change: c.544+3A>G on transcript NM_001561.6 (MANE Select); 3 bases into the intron after coding-DNA position 544, A replaced by G.
Molecular consequence: intron variant.
Genome position (GRCh38, 1-based): chr1:7,935,010, T>C on the plus strand (A>G on the coding strand, the complement: TNFRSF9 is on the minus strand). VCF-style: chr1-7935010-T-C. GRCh37 (hg19) VCF-style: chr1-7995070-T-C.
Identifiers: ClinVar variation 3697483 (VCV003697483.2).